The following is an entry in ClinVar:

NM_016343.4(CENPF):c.7555A>G (p.Lys2519Glu)

Gene: CENPF (centromere protein F; plus strand). Cytogenetic location: 1q41.
Variant type: single nucleotide variant.
Coding change: c.7555A>G on transcript NM_016343.4 (MANE Select); coding-DNA position 7555, A replaced by G.
Protein change: p.Lys2519Glu; replaces lysine 2519 with glutamic acid.
Molecular consequence: missense variant.
Genome position (GRCh38, 1-based): chr1:214,647,125, A>G. VCF-style: chr1-214647125-A-G. GRCh37 (hg19) VCF-style: chr1-214820468-A-G.
Other names: short protein forms K2519E.
Identifiers: ClinVar variation 775670 (VCV000775670.38), dbSNP rs149416779, ClinGen allele CA1391138.

ClinVar aggregate classification (germline): Conflicting classifications of pathogenicity. Review status: criteria provided, conflicting classifications (1 of 4 stars). 6 submissions from 6 submitters: Uncertain significance (1); Benign (1); Likely benign (4). Last evaluated 2025-12-23.

Conditions:
Inborn genetic diseases. Identifiers: MedGen C0950123, MeSH D030342.

Allele frequency attached by ClinVar (database versions not stated): gnomAD exomes 0.00027 and 0.00073; ExAC 0.00086; gnomAD 0.00273 and 0.00289; TOPMed 0.00300; ESP Exome Variant Server 0.00315; 1000 Genomes Project 0.00479.
gnomAD v4.1: 838 of 1,613,956 alleles (0.052%); highest among the groups gnomAD compares: African/African-American, 0.94%; 5 homozygotes.

Submissions (6):

Labcorp Genetics (formerly Invitae), Labcorp
Classification: Benign. Last evaluated: 2025-12-23. Review status: criteria provided, single submitter. Criteria: Invitae Variant Classification Sherloc (09022015). Collection method: clinical testing. Allele origin: germline.

CeGaT Center for Human Genetics Tuebingen
Classification: Likely benign. Last evaluated: 2025-11-01. Review status: criteria provided, single submitter. Criteria: CeGaT Center For Human Genetics Tuebingen Variant Classification Criteria Version 2. Collection method: clinical testing. Allele origin: germline. Affected: yes. Observed: 4 variant alleles.
Comment: CENPF: BP4, BS2

Ambry Genetics
Classification: Uncertain significance for Inborn genetic diseases. Last evaluated: 2025-08-05. Review status: criteria provided, single submitter. Criteria: Ambry Variant Classification Scheme 2023. Collection method: clinical testing. Allele origin: germline.

Blueprint Genetics
Classification: Likely benign. Last evaluated: 2024-11-14. Review status: criteria provided, single submitter. Criteria: ACMG Guidelines, 2015. Collection method: clinical testing. Allele origin: germline.

GeneDx
Classification: Likely benign. Last evaluated: 2024-02-12. Review status: criteria provided, single submitter. Criteria: GeneDx Variant Classification Process June 2021. Collection method: clinical testing. Allele origin: germline. Affected: yes.

Genetic Services Laboratory, University of Chicago
Classification: Likely benign. Last evaluated: 2018-07-16. Review status: criteria provided, single submitter. Criteria: ACMG Guidelines, 2015. Collection method: clinical testing. Allele origin: germline. Affected: no.